The following is an entry in ClinVar:

ClinVar aggregate classification (germline): Uncertain significance (1 of 4 stars; one submission).

Conditions:
Inborn genetic diseases. Identifiers: MedGen C0950123, MeSH D030342.

Submission:

Ambry Genetics
Classification: Uncertain significance for Inborn genetic diseases. Last evaluated: 2025-05-10. Review status: criteria provided, single submitter. Criteria: Ambry Variant Classification Scheme 2023. Collection method: clinical testing. Allele origin: germline.
Comment: The p.V687L variant (also known as c.2059G>T), located in coding exon 18 of the KDM1A gene, results from a G to T substitution at nucleotide position 2059. The valine at codon 687 is replaced by leucine, an amino acid with highly similar properties. This amino acid position is conserved. In addition, the in silico prediction for this alteration is inconclusive. Based on the available evidence, the clinical significance of this variant remains unclear.

NM_001009999.3(KDM1A):c.2059G>T (p.Val687Leu)

Gene: KDM1A (lysine demethylase 1A; plus strand). Cytogenetic location: 1p36.12.
Variant type: single nucleotide variant.
Coding change: c.2059G>T on transcript NM_001009999.3 (MANE Select); coding-DNA position 2059, G replaced by T.
Protein change: p.Val687Leu; replaces valine 687 with leucine.
Molecular consequence: missense variant.
Genome position (GRCh38, 1-based): chr1:23,079,556, G>T. VCF-style: chr1-23079556-G-T. GRCh37 (hg19) VCF-style: chr1-23406049-G-T.
Other names: c.2005G>T, p.Val669Leu (NM_001363654.2); c.2065G>T, p.Val689Leu (NM_001410762.1); c.1987G>T, p.Val663Leu (NM_001410763.1, NM_015013.4); short protein forms V669L, V689L, V663L, V687L.
Identifiers: ClinVar variation 4042131 (VCV004042131.1).